The following is an entry in ClinVar:

NM_002303.6(LEPR):c.1834C>T (p.Arg612Cys)

Gene: LEPR (leptin receptor; plus strand). Cytogenetic location: 1p31.3.
Variant type: single nucleotide variant.
Coding change: c.1834C>T on transcript NM_002303.6 (MANE Select); coding-DNA position 1834, C replaced by T.
Protein change: p.Arg612Cys; replaces arginine 612 with cysteine.
Molecular consequence: missense variant.
Genome position (GRCh38, 1-based): chr1:65,610,028, C>T. VCF-style: chr1-65610028-C-T. GRCh37 (hg19) VCF-style: chr1-66075711-C-T.
Other names: c.1834C>T (NM_002303.5); c.1834C>T, p.Arg612Cys (NM_001003679.3, NM_001003680.3, NM_001198687.2 and 2 more transcripts); short protein forms R612C.
Identifiers: ClinVar variation 1505804 (VCV001505804.8), dbSNP rs369281071, ClinGen allele CA23916777.
Genomic context (GRCh38, chr1:65,610,028, plus strand): 5'-AAATCAAAATCTGTCAGTCTCCCAGTTCCAGACTTGTGTGCAGTCTATGCTGTTCAGGTG[C>T]GCTGTAAGAGGCTAGATGGACTGGGATATTGGAGTAATTGGAGCAATCCAGCCTACACAG-3'
Protein context (NP_002294.2, residues 602-622): DLCAVYAVQV[Arg612Cys]CKRLDGLGYW

ClinVar aggregate classification (germline): Uncertain significance. Review status: criteria provided, multiple submitters, no conflicts (2 of 4 stars). 2 submissions from 2 submitters: Uncertain significance (2). Last evaluated 2026-01-22.

Conditions:
LEPR-related disorder. Also called: LEPR-related condition; LEPR-related disorders.

Allele frequency attached by ClinVar (database versions not stated): gnomAD exomes below 0.00001 and 0.00001; TOPMed 0.00001; gnomAD 0.00002; ESP Exome Variant Server 0.00008.
gnomAD v4.1: 14 of 1,614,032 alleles (0.00087%); highest among the groups gnomAD compares: South Asian, 0.0055%; no homozygotes.

Submissions (2):

PreventionGenetics, part of Exact Sciences
Classification: Uncertain significance for LEPR-related condition. Last evaluated: 2026-01-22. Review status: criteria provided, single submitter. Criteria: ACMG Guidelines, 2015. Collection method: clinical testing. Allele origin: germline.
Comment: The LEPR c.1834C>T variant is predicted to result in the amino acid substitution p.Arg612Cys. This variant was observed in a cohort of individuals with obesity, and in vitro functional studies showed function similar to wild-type levels (Supplemental Data Set, Shah et al. 2023. PubMed ID: 36864747). This variant is reported in 0.00088% of alleles in individuals of European (Non-Finnish) descent in gnomAD. Additional variants impacting the same amino acid (p.Arg612His and p.Arg612Leu) have been documented in individuals with obesity phenotypes (Voigtmann et al. 2020. PubMed ID: 33221380; Mazen et al. 2023. PubMed ID: 37140700). At this time, the clinical significance of the c.1834C>T (p.Arg612Cys) variant is uncertain due to the absence of conclusive functional and genetic evidence.

Labcorp Genetics (formerly Invitae), Labcorp
Classification: Uncertain significance. Last evaluated: 2021-09-18. Review status: criteria provided, single submitter. Criteria: Invitae Variant Classification Sherloc (09022015). Collection method: clinical testing. Allele origin: germline.
Comment: This sequence change replaces arginine with cysteine at codon 612 of the LEPR protein (p.Arg612Cys). The arginine residue is highly conserved and there is a large physicochemical difference between arginine and cysteine. In summary, the available evidence is currently insufficient to determine the role of this variant in disease. Therefore, it has been classified as a Variant of Uncertain Significance. This variant disrupts the p.Arg612 amino acid residue in LEPR. Other variant(s) that disrupt this residue have been determined to be pathogenic (PMID: 17229951, 18703626, 24611737). This suggests that this residue is clinically significant, and that variants that disrupt this residue are likely to be disease-causing. Algorithms developed to predict the effect of missense changes on protein structure and function (SIFT, PolyPhen-2, Align-GVGD) all suggest that this variant is likely to be disruptive. This variant has not been reported in the literature in individuals affected with LEPR-related conditions. This variant is not present in population databases (ExAC no frequency).

Literature cited by the submitters: PubMed 17229951 (cited by Labcorp Genetics (formerly Invitae), Labcorp); PubMed 18703626 (cited by Labcorp Genetics (formerly Invitae), Labcorp); PubMed 24611737 (cited by Labcorp Genetics (formerly Invitae), Labcorp).